The following is an entry in ClinVar:

NM_181486.4(TBX5):c.1322G>A (p.Gly441Asp)

Gene: TBX5 (T-box transcription factor 5; minus strand). Cytogenetic location: 12q24.21.
Variant type: single nucleotide variant.
Coding change: c.1322G>A on transcript NM_181486.4 (MANE Select); coding-DNA position 1322, G replaced by A.
Protein change: p.Gly441Asp; replaces glycine 441 with aspartic acid.
Molecular consequence: missense variant.
Genome position (GRCh38, 1-based): chr12:114,355,767, C>T on the plus strand (G>A on the coding strand, the complement: TBX5 is on the minus strand). VCF-style: chr12-114355767-C-T. GRCh37 (hg19) VCF-style: chr12-114793572-C-T.
Other names: c.1322G>A, p.Gly441Asp (NM_000192.3); c.1172G>A, p.Gly391Asp (NM_080717.4); short protein forms G391D, G441D.
Identifiers: ClinVar variation 1386938 (VCV001386938.6), dbSNP rs1203543672, ClinGen allele CA386925315.

ClinVar aggregate classification (germline): Uncertain significance (1 of 4 stars; one submission).

Conditions:
Aortic valve disease 2 (AOVD2). Identifiers: MedGen C3542024, MONDO:0013902, OMIM 614823.

Allele frequency attached by ClinVar (database versions not stated): gnomAD exomes below 0.00001; gnomAD 0.00001.
gnomAD v4.1: 2 of 1,613,914 alleles (0.00012%); highest among the groups gnomAD compares: Non-Finnish European, 0.00017%; no homozygotes.

Submission:

Labcorp Genetics (formerly Invitae), Labcorp
Classification: Uncertain significance for Aortic valve disease 2. Last evaluated: 2023-11-27. Review status: criteria provided, single submitter. Criteria: Invitae Variant Classification Sherloc (09022015). Collection method: clinical testing. Allele origin: germline.
Comment: This sequence change replaces glycine, which is neutral and non-polar, with aspartic acid, which is acidic and polar, at codon 441 of the TBX5 protein (p.Gly441Asp). This variant is not present in population databases (gnomAD no frequency). This variant has not been reported in the literature in individuals affected with TBX5-related conditions. ClinVar contains an entry for this variant (Variation ID: 1386938). Advanced modeling of protein sequence and biophysical properties (such as structural, functional, and spatial information, amino acid conservation, physicochemical variation, residue mobility, and thermodynamic stability) performed at Invitae indicates that this missense variant is not expected to disrupt TBX5 protein function with a negative predictive value of 80%. In summary, the available evidence is currently insufficient to determine the role of this variant in disease. Therefore, it has been classified as a Variant of Uncertain Significance.